The following is an entry in ClinVar:

NM_005733.3(KIF20A):c.644A>G (p.Lys215Arg)

Gene: KIF20A (kinesin family member 20A; plus strand). Cytogenetic location: 5q31.2.
Variant type: single nucleotide variant.
Coding change: c.644A>G on transcript NM_005733.3 (MANE Select); coding-DNA position 644, A replaced by G.
Protein change: p.Lys215Arg; replaces lysine 215 with arginine.
Molecular consequence: missense variant.
Genome position (GRCh38, 1-based): chr5:138,182,715, A>G. VCF-style: chr5-138182715-A-G. GRCh37 (hg19) VCF-style: chr5-137518404-A-G.
Other names: short protein forms K215R.
Identifiers: ClinVar variation 1914817 (VCV001914817.5), dbSNP rs2482179599, ClinGen allele CA361113582.

ClinVar aggregate classification (germline): Uncertain significance (1 of 4 stars; one submission).

Allele frequency attached by ClinVar (database versions not stated): gnomAD exomes below 0.00001.
gnomAD v4.1: 1 of 1,614,114 alleles (0.000062%); highest among the groups gnomAD compares: Middle Eastern, 0.016%; no homozygotes.

Submission:

Labcorp Genetics (formerly Invitae), Labcorp
Classification: Uncertain significance. Last evaluated: 2024-01-08. Review status: criteria provided, single submitter. Criteria: Invitae Variant Classification Sherloc (09022015). Collection method: clinical testing. Allele origin: germline.
Comment: This sequence change replaces lysine, which is basic and polar, with arginine, which is basic and polar, at codon 215 of the KIF20A protein (p.Lys215Arg). This variant is not present in population databases (gnomAD no frequency). This variant has not been reported in the literature in individuals affected with KIF20A-related conditions. ClinVar contains an entry for this variant (Variation ID: 1914817). An algorithm developed to predict the effect of missense changes on protein structure and function (PolyPhen-2) suggests that this variant is likely to be tolerated. In summary, the available evidence is currently insufficient to determine the role of this variant in disease. Therefore, it has been classified as a Variant of Uncertain Significance.